The following is an entry in ClinVar:

ClinVar aggregate classification (germline): Uncertain significance. Review status: criteria provided, multiple submitters, no conflicts (2 of 4 stars). 2 submissions from 2 submitters: Uncertain significance (2). Last evaluated 2025-11-04.

Conditions:
ABCC2-related disorder. Also called: ABCC2-related condition.

gnomAD v4.1: 2 of 1,614,238 alleles (0.00012%); no homozygotes.

Submissions (2):

PreventionGenetics, part of Exact Sciences
Classification: Uncertain significance for ABCC2-related condition. Last evaluated: 2025-11-04. Review status: criteria provided, single submitter. Criteria: ACMG Guidelines, 2015. Collection method: clinical testing. Allele origin: germline.
Comment: The ABCC2 c.3907A>C variant is predicted to result in the amino acid substitution p.Asn1303His. To our knowledge, this variant has not been reported in the literature or in a large population database (gnomAD), indicating this variant is rare. At this time, the clinical significance of this variant is uncertain due to the absence of conclusive functional and genetic evidence.

Labcorp Genetics (formerly Invitae), Labcorp
Classification: Uncertain significance. Last evaluated: 2023-04-09. Review status: criteria provided, single submitter. Criteria: Invitae Variant Classification Sherloc (09022015). Collection method: clinical testing. Allele origin: germline.
Comment: In summary, the available evidence is currently insufficient to determine the role of this variant in disease. Therefore, it has been classified as a Variant of Uncertain Significance. Advanced modeling of protein sequence and biophysical properties (such as structural, functional, and spatial information, amino acid conservation, physicochemical variation, residue mobility, and thermodynamic stability) performed at Invitae indicates that this missense variant is not expected to disrupt ABCC2 protein function. This variant has not been reported in the literature in individuals affected with ABCC2-related conditions. This variant is not present in population databases (gnomAD no frequency). This sequence change replaces asparagine, which is neutral and polar, with histidine, which is basic and polar, at codon 1303 of the ABCC2 protein (p.Asn1303His).

NM_000392.5(ABCC2):c.3907A>C (p.Asn1303His)

Gene: ABCC2 (ATP binding cassette subfamily C member 2; plus strand). Cytogenetic location: 10q24.2.
Variant type: single nucleotide variant.
Coding change: c.3907A>C on transcript NM_000392.5 (MANE Select); coding-DNA position 3907, A replaced by C.
Protein change: p.Asn1303His; replaces asparagine 1303 with histidine.
Molecular consequence: missense variant.
Genome position (GRCh38, 1-based): chr10:99,844,385, A>C. VCF-style: chr10-99844385-A-C. GRCh37 (hg19) VCF-style: chr10-101604142-A-C.
Other names: c.3907A>C (NM_000392.4); short protein forms N1303H.
Identifiers: ClinVar variation 2979864 (VCV002979864.4), dbSNP rs2493048077, ClinGen allele CA378127184.